The following is an entry in ClinVar:

NM_000755.5(CRAT):c.1814A>G (p.His605Arg)

Gene: CRAT (carnitine O-acetyltransferase; minus strand). Cytogenetic location: 9q34.11.
Variant type: single nucleotide variant.
Coding change: c.1814A>G on transcript NM_000755.5 (MANE Select); coding-DNA position 1814, A replaced by G.
Protein change: p.His605Arg; replaces histidine 605 with arginine.
Molecular consequence: missense variant.
Genome position (GRCh38, 1-based): chr9:129,095,464, T>C on the plus strand (A>G on the coding strand, the complement: CRAT is on the minus strand). VCF-style: chr9-129095464-T-C. GRCh37 (hg19) VCF-style: chr9-131857743-T-C.
Other names: c.1751A>G, p.His584Arg (NM_001257363.3, NM_004003.4); c.1817A>G, p.His606Arg (NM_001346546.2); c.1742A>G, p.His581Arg (NM_001346547.2); c.1679A>G, p.His560Arg (NM_001346548.2); c.1694A>G, p.His565Arg (NM_001346549.2); c.1814A>G (NM_000755.3); short protein forms H560R, H565R, H581R, H584R, H606R, H605R.
Identifiers: ClinVar variation 2057186 (VCV002057186.5), dbSNP rs762626138, ClinGen allele CA5275234.

ClinVar aggregate classification (germline): Uncertain significance. Review status: criteria provided, multiple submitters, no conflicts (2 of 4 stars). 2 submissions from 2 submitters: Uncertain significance (2). Last evaluated 2026-01-12.

Allele frequency attached by ClinVar (database versions not stated): gnomAD 0.00001; ExAC 0.00003; gnomAD exomes 0.00009.
gnomAD v4.1: 137 of 1,613,284 alleles (0.0085%); highest among the groups gnomAD compares: Non-Finnish European, 0.011%; no homozygotes.

Submissions (2):

Labcorp Genetics (formerly Invitae), Labcorp
Classification: Uncertain significance. Last evaluated: 2026-01-12. Review status: criteria provided, single submitter. Criteria: Invitae Variant Classification Sherloc (09022015). Collection method: clinical testing. Allele origin: germline.
Comment: This sequence change replaces histidine, which is basic and polar, with arginine, which is basic and polar, at codon 605 of the CRAT protein (p.His605Arg). This variant is present in population databases (rs762626138, gnomAD 0.01%). This variant has not been reported in the literature in individuals affected with CRAT-related conditions. ClinVar contains an entry for this variant (Variation ID: 2057186). Invitae Evidence Modeling of protein sequence and biophysical properties (such as structural, functional, and spatial information, amino acid conservation, physicochemical variation, residue mobility, and thermodynamic stability) indicates that this missense variant is not expected to disrupt CRAT protein function with a negative predictive value of 80%. In summary, the available evidence is currently insufficient to determine the role of this variant in disease. Therefore, it has been classified as a Variant of Uncertain Significance.

Ambry Genetics
Classification: Uncertain significance. Last evaluated: 2024-04-01. Review status: criteria provided, single submitter. Criteria: Ambry Variant Classification Scheme 2023. Collection method: clinical testing. Allele origin: germline.